The following is an entry in ClinVar:

NM_001330288.2(SMARCC2):c.2880C>T (p.Ala960=)

Gene: SMARCC2 (SWI/SNF related BAF chromatin remodeling complex subunit C2; minus strand). Cytogenetic location: 12q13.2.
Variant type: single nucleotide variant.
Coding change: c.2880C>T on transcript NM_001330288.2 (MANE Select); coding-DNA position 2880, C replaced by T.
Protein change: p.Ala960=; no amino-acid change (alanine 960 retained).
Molecular consequence: synonymous variant.
Genome position (GRCh38, 1-based): chr12:56,165,670, G>A on the plus strand (C>T on the coding strand, the complement: SMARCC2 is on the minus strand). VCF-style: chr12-56165670-G-A. GRCh37 (hg19) VCF-style: chr12-56559454-G-A.
Other names: c.2787C>T (NM_003075.4); c.2880C>T, p.Ala960= (NM_001130420.3, NM_139067.4); c.2787C>T, p.Ala929= (NM_003075.5).
Identifiers: ClinVar variation 2643074 (VCV002643074.26), dbSNP rs145178493, ClinGen allele CA6625674.

ClinVar aggregate classification (germline): Likely benign. Review status: criteria provided, multiple submitters, no conflicts (2 of 4 stars). 3 submissions from 3 submitters: Likely benign (3). Last evaluated 2026-09-01.

Conditions:
SMARCC2-related disorder. Also called: SMARCC2-related condition.

Allele frequency attached by ClinVar (database versions not stated): 1000 Genomes Project 30x 0.00016; 1000 Genomes Project 0.00020; gnomAD exomes 0.00040; TOPMed 0.00045; gnomAD 0.00047; ExAC 0.00060; ESP Exome Variant Server 0.00069.
gnomAD v4.1: 685 of 1,611,952 alleles (0.042%); highest among the groups gnomAD compares: Middle Eastern, 0.53%; 3 homozygotes.

Submissions (3):

CeGaT Center for Human Genetics Tuebingen
Classification: Likely benign. Last evaluated: 2026-09-01. Review status: criteria provided, single submitter. Criteria: CeGaT Center For Human Genetics Tuebingen Variant Classification Criteria Version 2. Collection method: clinical testing. Allele origin: germline. Affected: yes. Observed: 7 variant alleles.
Comment: SMARCC2: BP4, BP7

PreventionGenetics, part of Exact Sciences
Classification: Likely benign for SMARCC2-related condition. Last evaluated: 2024-12-16. Review status: criteria provided, single submitter. Criteria: ACMG Guidelines, 2015. Collection method: clinical testing. Allele origin: germline.
Comment: This variant is classified as likely benign based on ACMG/AMP sequence variant interpretation guidelines (Richards et al. 2015 PMID: 25741868, with internal and published modifications).

Blueprint Genetics
Classification: Likely benign. Last evaluated: 2024-11-23. Review status: criteria provided, single submitter. Criteria: ACMG Guidelines, 2015. Collection method: clinical testing. Allele origin: germline.